The following is an entry in ClinVar:

ClinVar aggregate classification (germline): Uncertain significance (1 of 4 stars; one submission).

Conditions:
SIM1-related disorder. Also called: SIM1-related disorders; SIM1-related condition.

gnomAD v4.1: 19 of 1,612,034 alleles (0.0012%); highest among the groups gnomAD compares: Non-Finnish European, 0.0016%; no homozygotes.

Submission:

PreventionGenetics, part of Exact Sciences
Classification: Uncertain significance for SIM1-related condition. Last evaluated: 2025-07-28. Review status: criteria provided, single submitter. Criteria: ACMG Guidelines, 2015. Collection method: clinical testing. Allele origin: germline.
Comment: The SIM1 c.31A>T variant is predicted to result in the amino acid substitution p.Thr11Ser. To our knowledge, this variant has not been reported in the literature. This variant is reported in 0.0018% of alleles in individuals of European (Non-Finnish) descent in gnomAD. At this time, the clinical significance of this variant is uncertain due to the absence of conclusive functional and genetic evidence.

NM_005068.3(SIM1):c.31A>T (p.Thr11Ser)

Gene: SIM1 (SIM bHLH transcription factor 1; minus strand). Cytogenetic location: 6q16.3.
Variant type: single nucleotide variant.
Coding change: c.31A>T on transcript NM_005068.3 (MANE Select); coding-DNA position 31, A replaced by T.
Protein change: p.Thr11Ser; replaces threonine 11 with serine.
Molecular consequence: missense variant.
Genome position (GRCh38, 1-based): chr6:100,463,438, T>A on the plus strand (A>T on the coding strand, the complement: SIM1 is on the minus strand). VCF-style: chr6-100463438-T-A. GRCh37 (hg19) VCF-style: chr6-100911314-T-A.
Other names: c.31A>T, p.Thr11Ser (NM_001374769.1); short protein forms T11S.
Identifiers: ClinVar variation 4989818 (VCV004989818.1).